The following is an entry in ClinVar:

ClinVar aggregate classification (germline): Uncertain significance (1 of 4 stars; one submission).

Conditions:
Immunodeficiency 14 (IMD14A). Also called: ACTIVATED PI3K-DELTA SYNDROME 1; IMMUNODEFICIENCY 14A WITH LYMPHOPROLIFERATION, AUTOSOMAL DOMINANT; Activated PI3K Delta Syndrome Type 1 (APDS1); p110-DELTA-ACTIVATING MUTATION CAUSING SENESCENT T CELLS, LYMPHADENOPATHY, AND IMMUNODEFICIENCY. Identifiers: Orphanet 397596, Orphanet 693661, MedGen C5907821, MONDO:0014222, OMIM 615513.

Allele frequency attached by ClinVar (database versions not stated): gnomAD exomes below 0.00001; TOPMed 0.00001; gnomAD 0.00002 and 0.00003.
gnomAD v4.1: 6 of 1,602,926 alleles (0.00037%); highest among the groups gnomAD compares: African/African-American, 0.0053%; no homozygotes.

Submission:

Labcorp Genetics (formerly Invitae), Labcorp
Classification: Uncertain significance for Activated PI3K-delta syndrome. Last evaluated: 2025-04-03. Review status: criteria provided, single submitter. Criteria: Invitae Variant Classification Sherloc (09022015). Collection method: clinical testing. Allele origin: germline.
Comment: This sequence change falls in intron 8 of the PIK3CD gene. It does not directly change the encoded amino acid sequence of the PIK3CD protein. It affects a nucleotide within the consensus splice site. This variant is present in population databases (no rsID available, gnomAD 0.004%). This variant has not been reported in the literature in individuals affected with PIK3CD-related conditions. ClinVar contains an entry for this variant (Variation ID: 1056327). Variants that disrupt the consensus splice site are a relatively common cause of aberrant splicing (PMID: 17576681, 9536098). Algorithms developed to predict the effect of sequence changes on RNA splicing suggest that this variant is not likely to affect RNA splicing. In summary, the available evidence is currently insufficient to determine the role of this variant in disease. Therefore, it has been classified as a Variant of Uncertain Significance.

Literature cited by the submitters: PubMed 17576681; PubMed 9536098.

NM_005026.5(PIK3CD):c.1021-3C>T

Genes: PIK3CD (phosphatidylinositol-4,5-bisphosphate 3-kinase catalytic subunit delta; plus strand), LOC126805612 (MED14-independent group 3 enhancer GRCh37_chr1:9778914-9780113; plus strand). Cytogenetic location: 1p36.22.
Variant type: single nucleotide variant.
Coding change: c.1021-3C>T on transcript NM_005026.5 (MANE Select); 3 bases into the intron before coding-DNA position 1021, C replaced by T.
Molecular consequence: intron variant.
Genome position (GRCh38, 1-based): chr1:9,718,691, C>T. VCF-style: chr1-9718691-C-T. GRCh37 (hg19) VCF-style: chr1-9778749-C-T.
Other names: c.1021-3C>T (NM_001350234.2); c.934-3C>T (NM_001350235.1).
Identifiers: ClinVar variation 1056327 (VCV001056327.9), dbSNP rs933446799, ClinGen allele CA17777545.